The following is an entry in ClinVar:

ClinVar aggregate classification (germline): Uncertain significance. Review status: criteria provided, multiple submitters, no conflicts (2 of 4 stars). 2 submissions from 2 submitters: Uncertain significance (2). Last evaluated 2025-10-07.

Conditions:
Hereditary nonpolyposis colorectal neoplasms. Identifiers: MedGen C0009405, MeSH D003123.
Hereditary cancer-predisposing syndrome. Also called: Hereditary neoplastic syndrome; Neoplastic Syndromes, Hereditary; Tumor predisposition; Hereditary Cancer Syndrome. Identifiers: Orphanet 140162, MedGen C0027672, MeSH D009386, MONDO:0015356.

Allele frequency attached by ClinVar (database versions not stated): gnomAD exomes below 0.00001; TOPMed below 0.00001.
gnomAD v4.1: 1 of 1,614,078 alleles (0.000062%); highest among the groups gnomAD compares: Middle Eastern, 0.016%; no homozygotes.

Submissions (2):

Labcorp Genetics (formerly Invitae), Labcorp
Classification: Uncertain significance for Hereditary nonpolyposis colorectal neoplasms. Last evaluated: 2025-10-07. Review status: criteria provided, single submitter. Criteria: Invitae Variant Classification Sherloc (09022015). Collection method: clinical testing. Allele origin: germline.
Comment: This sequence change replaces aspartic acid, which is acidic and polar, with histidine, which is basic and polar, at codon 422 of the MSH6 protein (p.Asp422His). This variant is not present in population databases (gnomAD no frequency). This variant has not been reported in the literature in individuals affected with MSH6-related conditions. ClinVar contains an entry for this variant (Variation ID: 836667). Invitae Evidence Modeling of protein sequence and biophysical properties (such as structural, functional, and spatial information, amino acid conservation, physicochemical variation, residue mobility, and thermodynamic stability) has been performed for this missense variant. However, the output from this modeling did not meet the statistical confidence thresholds required to predict the impact of this variant on MSH6 protein function. In summary, the available evidence is currently insufficient to determine the role of this variant in disease. Therefore, it has been classified as a Variant of Uncertain Significance.

Ambry Genetics
Classification: Uncertain significance for Hereditary cancer-predisposing syndrome. Last evaluated: 2020-07-30. Review status: criteria provided, single submitter. Criteria: Ambry Variant Classification Scheme 2023. Collection method: clinical testing. Allele origin: germline.
Comment: The p.D422H variant (also known as c.1264G>C), located in coding exon 4 of the MSH6 gene, results from a G to C substitution at nucleotide position 1264. The aspartic acid at codon 422 is replaced by histidine, an amino acid with similar properties. This amino acid position is highly conserved in available vertebrate species. In addition, this alteration is predicted to be deleterious by in silico analysis. Since supporting evidence is limited at this time, the clinical significance of this alteration remains unclear.

NM_000179.3(MSH6):c.1264G>C (p.Asp422His)

Gene: MSH6 (mutS homolog 6; plus strand). Cytogenetic location: 2p16.3.
Variant type: single nucleotide variant.
Coding change: c.1264G>C on transcript NM_000179.3 (MANE Select); coding-DNA position 1264, G replaced by C.
Protein change: p.Asp422His; replaces aspartic acid 422 with histidine.
Molecular consequence: missense variant.
Genome position (GRCh38, 1-based): chr2:47,799,247, G>C. VCF-style: chr2-47799247-G-C. GRCh37 (hg19) VCF-style: chr2-48026386-G-C.
Other names: c.874G>C, p.Asp292His (NM_001281492.2); c.358G>C, p.Asp120His (NM_001281493.2, NM_001281494.2); short protein forms D292H, D422H, D120H.
Identifiers: ClinVar variation 836667 (VCV000836667.12), dbSNP rs1423874192, ClinGen allele CA346743954.